The following is an entry in ClinVar:

ClinVar aggregate classification (germline): Uncertain significance. Review status: criteria provided, multiple submitters, no conflicts (2 of 4 stars). 3 submissions from 3 submitters: Uncertain significance (3). Last evaluated 2025-01-06.

Conditions:
Inborn genetic diseases. Identifiers: MedGen C0950123, MeSH D030342.

Allele frequency attached by ClinVar (database versions not stated): gnomAD 0.00002; TOPMed 0.00002; ExAC 0.00006; 1000 Genomes Project 30x 0.00031.

Submissions (3):

Labcorp Genetics (formerly Invitae), Labcorp
Classification: Uncertain significance. Last evaluated: 2025-01-06. Review status: criteria provided, single submitter. Criteria: Invitae Variant Classification Sherloc (09022015). Collection method: clinical testing. Allele origin: germline.
Comment: This sequence change replaces arginine, which is basic and polar, with glutamine, which is neutral and polar, at codon 27 of the DOCK6 protein (p.Arg27Gln). The frequency data for this variant in the population databases is considered unreliable, as metrics indicate poor data quality at this position in the gnomAD database. This variant has not been reported in the literature in individuals affected with DOCK6-related conditions. ClinVar contains an entry for this variant (Variation ID: 2073356). An algorithm developed to predict the effect of missense changes on protein structure and function (PolyPhen-2) suggests that this variant is likely to be tolerated. In summary, the available evidence is currently insufficient to determine the role of this variant in disease. Therefore, it has been classified as a Variant of Uncertain Significance.

Blueprint Genetics
Classification: Uncertain significance. Last evaluated: 2024-03-07. Review status: criteria provided, single submitter. Criteria: ACMG Guidelines, 2015. Collection method: clinical testing. Allele origin: germline.

Ambry Genetics
Classification: Uncertain significance for Inborn genetic diseases. Last evaluated: 2022-12-28. Review status: criteria provided, single submitter. Criteria: Ambry Variant Classification Scheme 2023. Collection method: clinical testing. Allele origin: germline.

NM_020812.4(DOCK6):c.80G>A (p.Arg27Gln)

Gene: DOCK6 (dedicator of cytokinesis 6; minus strand). Cytogenetic location: 19p13.2.
Variant type: single nucleotide variant.
Coding change: c.80G>A on transcript NM_020812.4 (MANE Select); coding-DNA position 80, G replaced by A.
Protein change: p.Arg27Gln; replaces arginine 27 with glutamine.
Molecular consequence: missense variant.
Genome position (GRCh38, 1-based): chr19:11,253,691, C>T on the plus strand (G>A on the coding strand, the complement: DOCK6 is on the minus strand). VCF-style: chr19-11253691-C-T. GRCh37 (hg19) VCF-style: chr19-11364367-C-T.
Other names: c.80G>A, p.Arg27Gln (NM_001367830.1); short protein forms R27Q.
Identifiers: ClinVar variation 2073356 (VCV002073356.6), dbSNP rs772398306, ClinGen allele CA9208645.
Genomic context (GRCh38, chr19:11,253,691, plus strand): 5'-ATACTTACCCCCAGGGAGCTGCTGCAGCGCCTGCTGGAGTGGGGGGAGCCACTGCGTTCC[C>T]GGGACACCTGCTTCCGCACCTCTGCGGCCACCGTCCTGGAAAGATAGGGAGGGGGCCATT-3'
Protein context (NP_065863.2, residues 17-37): VAAEVRKQVS[Arg27Gln]ERSGSPHSSR